The following is an entry in ClinVar:

ClinVar aggregate classification (germline): Uncertain significance (1 of 4 stars; one submission).

Submission:

Labcorp Genetics (formerly Invitae), Labcorp
Classification: Uncertain significance. Last evaluated: 2022-03-20. Review status: criteria provided, single submitter. Criteria: Invitae Variant Classification Sherloc (09022015). Collection method: clinical testing. Allele origin: germline.
Comment: This sequence change creates a premature translational stop signal (p.Pro1230Glnfs*15) in the PLEKHG2 gene. While this is not anticipated to result in nonsense mediated decay, it is expected to disrupt the last 157 amino acid(s) of the PLEKHG2 protein. This variant is not present in population databases (gnomAD no frequency). This variant has not been reported in the literature in individuals affected with PLEKHG2-related conditions. Experimental studies and prediction algorithms are not available or were not evaluated, and the functional significance of this variant is currently unknown. In summary, the available evidence is currently insufficient to determine the role of this variant in disease. Therefore, it has been classified as a Variant of Uncertain Significance.

NM_022835.3(PLEKHG2):c.3689del (p.Pro1230fs)

Gene: PLEKHG2 (pleckstrin homology and RhoGEF domain containing G2; plus strand). Cytogenetic location: 19q13.2.
Variant type: Deletion.
Coding change: c.3689del on transcript NM_022835.3 (MANE Select); coding-DNA position 3689, one base deleted (C; older notation c.3689delC).
Protein change: p.Pro1230fs; shifts the reading frame from proline 1230.
Molecular consequence: frameshift variant. On other transcripts: intron variant (1).
Genome position (GRCh38, 1-based): chr19:39,424,822, C deleted; the last of 4 consecutive C bases (chr19:39,424,819-39,424,822); deleting any one gives the same sequence. VCF-style (leftmost placement, unchanged base first): chr19-39424818-AC-A. GRCh37 (hg19) VCF-style: chr19-39915458-AC-A.
Other names: c.3512del, p.Pro1171fs (NM_001351693.2); c.1678-416del (NM_001351694.2); short protein forms P1171fs, P1230fs.
Identifiers: ClinVar variation 1949502 (VCV001949502.5), dbSNP rs2078757785, ClinGen allele CA2335507563.